The following is an entry in ClinVar:

NM_006949.4(STXBP2):c.1247-30_1247-3dup

Gene: STXBP2 (syntaxin binding protein 2; plus strand). Cytogenetic location: 19p13.2.
Variant type: Duplication.
Coding change: c.1247-30_1247-3dup on transcript NM_006949.4 (MANE Select); 30 bases into the intron before coding-DNA position 1247 through 3 bases into the intron before coding-DNA position 1247, 28 bases duplicated (GCCTCCACCCTGCCCATTCCCGTCCCCC).
Molecular consequence: intron variant.
Genome position (GRCh38, 1-based): chr19:7,645,167-7,645,194, GCCTCCACCCTGCCCATTCCCGTCCCCC duplicated; duplicating any 28 consecutive bases within chr19:7,645,165-7,645,194 gives the same sequence; the c. name uses the placement nearest the transcript's 3' end. VCF-style (leftmost placement, unchanged base first): chr19-7645164-G-GCCGCCTCCACCCTGCCCATTCCCGTCCC. GRCh37 (hg19) VCF-style: chr19-7710050-G-GCCGCCTCCACCCTGCCCATTCCCGTCCC.
Other names: c.1151-30_1151-3dup (NM_001414484.1); c.1280-30_1280-3dup (NM_001272034.2); c.1238-30_1238-3dup (NM_001127396.3).
Identifiers: ClinVar variation 3052220 (VCV003052220.2), dbSNP rs2032082226, ClinGen allele CA993169542.

ClinVar aggregate classification (germline): Likely benign (0 of 4 stars; one submission).

Conditions:
STXBP2-related disorder. Also called: STXBP2-related condition.

Submission:

PreventionGenetics, part of Exact Sciences
Classification: Likely benign for STXBP2-related condition. Last evaluated: 2020-02-21. Review status: no assertion criteria provided. Collection method: clinical testing. Allele origin: germline.
Comment: This variant is classified as likely benign based on ACMG/AMP sequence variant interpretation guidelines (Richards et al. 2015 PMID: 25741868, with internal and published modifications).